The following is an entry in ClinVar:

ClinVar aggregate classification (germline): Uncertain significance. Review status: criteria provided, multiple submitters, no conflicts (2 of 4 stars). 3 submissions from 3 submitters: Uncertain significance (3). Last evaluated 2024-09-29.

Conditions:
Colorectal cancer, susceptibility to, 12 (CRCS12). Also called: COLORECTAL CANCER, SUSCEPTIBILITY TO, ON CHROMOSOME 12q24. Identifiers: Orphanet 220460, MedGen C3554460, MONDO:0014038, OMIM 615083.
Facial dysmorphism-immunodeficiency-livedo-short stature syndrome. Also called: Facial dysmorphism, immunodeficiency, livedo, and short stature; FILS syndrome. Identifiers: Orphanet 352712, MedGen C3554576, MONDO:0014058, OMIM 615139.
Hereditary cancer-predisposing syndrome. Also called: Neoplastic Syndromes, Hereditary; Tumor predisposition; Hereditary neoplastic syndrome; Hereditary Cancer Syndrome. Identifiers: Orphanet 140162, MedGen C0027672, MeSH D009386, MONDO:0015356.

Allele frequency attached by ClinVar (database versions not stated): gnomAD exomes 0.00001.

Submissions (3):

Labcorp Genetics (formerly Invitae), Labcorp
Classification: Uncertain significance. Last evaluated: 2024-09-29. Review status: criteria provided, single submitter. Criteria: Invitae Variant Classification Sherloc (09022015). Collection method: clinical testing. Allele origin: germline.
Comment: This sequence change replaces valine, which is neutral and non-polar, with isoleucine, which is neutral and non-polar, at codon 1447 of the POLE protein (p.Val1447Ile). This variant is present in population databases (no rsID available, gnomAD 0.003%). This variant has not been reported in the literature in individuals affected with POLE-related conditions. ClinVar contains an entry for this variant (Variation ID: 578915). Invitae Evidence Modeling of protein sequence and biophysical properties (such as structural, functional, and spatial information, amino acid conservation, physicochemical variation, residue mobility, and thermodynamic stability) indicates that this missense variant is not expected to disrupt POLE protein function with a negative predictive value of 80%. In summary, the available evidence is currently insufficient to determine the role of this variant in disease. Therefore, it has been classified as a Variant of Uncertain Significance.

Ambry Genetics
Classification: Uncertain significance for Hereditary cancer-predisposing syndrome. Last evaluated: 2024-05-21. Review status: criteria provided, single submitter. Criteria: Ambry Variant Classification Scheme 2023. Collection method: clinical testing. Allele origin: germline.
Comment: The p.V1447I variant (also known as c.4339G>A), located in coding exon 34 of the POLE gene, results from a G to A substitution at nucleotide position 4339. The valine at codon 1447 is replaced by isoleucine, an amino acid with highly similar properties. This amino acid position is conserved. In addition, this alteration is predicted to be tolerated by in silico analysis. Since supporting evidence is limited at this time, the clinical significance of this alteration remains unclear.

GeneDx
Classification: Uncertain significance. Last evaluated: 2019-06-21. Review status: criteria provided, single submitter. Criteria: GeneDx Variant Classification Process June 2021. Collection method: clinical testing. Allele origin: germline. Affected: yes.
Comment: Not observed at a significant frequency in large population cohorts (Lek 2016); In silico analysis, which includes protein predictors and evolutionary conservation, supports that this variant does not alter protein structure/function; Has not been previously published as pathogenic or benign to our knowledge; This variant is associated with the following publications: (PMID: 29056344)

NM_006231.4(POLE):c.4339G>A (p.Val1447Ile)

Gene: POLE (DNA polymerase epsilon, catalytic subunit; minus strand). Cytogenetic location: 12q24.33.
Variant type: single nucleotide variant.
Coding change: c.4339G>A on transcript NM_006231.4 (MANE Select); coding-DNA position 4339, G replaced by A.
Protein change: p.Val1447Ile; replaces valine 1447 with isoleucine.
Molecular consequence: missense variant.
Genome position (GRCh38, 1-based): chr12:132,643,512, C>T on the plus strand (G>A on the coding strand, the complement: POLE is on the minus strand). VCF-style: chr12-132643512-C-T. GRCh37 (hg19) VCF-style: chr12-133220098-C-T.
Other names: c.4339G>A (NM_006231.2); short protein forms V1447I.
Identifiers: ClinVar variation 578915 (VCV000578915.17), dbSNP rs1565939714, ClinGen allele CA387381409.